The following is an entry in ClinVar:

NM_002334.4(LRP4):c.3557G>C (p.Trp1186Ser)

Gene: LRP4 (LDL receptor related protein 4; minus strand). Cytogenetic location: 11p11.2.
Variant type: single nucleotide variant.
Coding change: c.3557G>C on transcript NM_002334.4 (MANE Select); coding-DNA position 3557, G replaced by C.
Protein change: p.Trp1186Ser; replaces tryptophan 1186 with serine.
Molecular consequence: missense variant.
Genome position (GRCh38, 1-based): chr11:46,875,946, C>G on the plus strand (G>C on the coding strand, the complement: LRP4 is on the minus strand). VCF-style: chr11-46875946-C-G. GRCh37 (hg19) VCF-style: chr11-46897497-C-G.
Other names: short protein forms W1186S.
Identifiers: ClinVar variation 30410 (VCV000030410.5), dbSNP rs387906883, ClinGen allele CA129194.
Genomic context (GRCh38, chr11:46,875,946, plus strand): 5'-ATGAGCACCGCGCGGTCTGAGCCATCCATTCCGGACCGCTCTAACTTGGCATTCTCCCCC[C>G]AGTCTGTCCAGTACATAAACCTGAGTGAGGAAGAATATTAGCTATATTAGCTAGTTATTC-3'
Protein context (NP_002325.2, residues 1176-1196): HEMGFMYWTD[Trp1186Ser]GENAKLERSG

ClinVar aggregate classification (germline): Conflicting classifications of pathogenicity. Review status: criteria provided, conflicting classifications (1 of 4 stars). 3 submissions from 3 submitters: Likely pathogenic (1); Uncertain significance (1). 1 of the submissions does not count toward it. Last evaluated 2024-07-23.

Conditions:
Sclerosteosis 2 (SOST2). Identifiers: Orphanet 3152, MedGen C3280402, MONDO:0013679, OMIM 614305.
Congenital myasthenic syndrome 17. Identifiers: Orphanet 590, MedGen C4225377, MONDO:0014578, OMIM 616304.
Cenani-Lenz syndactyly syndrome. Also called: CENANI SYNDACTYLISM; SYNDACTYLY, TYPE VII. Identifiers: Orphanet 3258, MedGen C1859309, MONDO:0008931, OMIM 212780.

gnomAD v4.1: 10 of 1,614,072 alleles (0.00062%); highest among the groups gnomAD compares: Admixed American, 0.0033%; no homozygotes.

Submissions (3):

GeneDx
Classification: Likely pathogenic. Last evaluated: 2024-07-23. Review status: criteria provided, single submitter. Criteria: GeneDx Variant Classification Process June 2021. Collection method: clinical testing. Allele origin: germline. Affected: yes.
Comment: Reported as a heterozygous, de novo variant in a patient with sclerosteosis (PMID: 21471202); In silico analysis supports that this missense variant has a deleterious effect on protein structure/function; Not observed at significant frequency in large population cohorts (gnomAD); This variant is associated with the following publications: (PMID: 26751728, 24234652, 21471202, 35052419)

Labcorp Genetics (formerly Invitae), Labcorp
Classification: Uncertain significance for Syndactyly Cenani Lenz type; Sclerosteosis 2; Myasthenic syndrome, congenital, 17. Last evaluated: 2018-09-11. Review status: criteria provided, single submitter. Criteria: Invitae Variant Classification Sherloc (09022015). Collection method: clinical testing. Allele origin: germline.
Comment: This sequence change replaces tryptophan with serine at codon 1186 of the LRP4 protein (p.Trp1186Ser). The tryptophan residue is highly conserved and there is a large physicochemical difference between tryptophan and serine. This variant is not present in population databases (ExAC no frequency). This variant has been observed to be de novo in an individual affected with sclerosteosis (PMID: 21471202). ClinVar contains an entry for this variant (Variation ID: 30410). Experimental studies have shown that this missense change impairs LRP4 protein function in vitro (PMID: 21471202, 24234652). In summary, the available evidence is currently insufficient to determine the role of this variant in disease. Therefore, it has been classified as a Variant of Uncertain Significance.

OMIM
Classification: Pathogenic for SCLEROSTEOSIS 2. Last evaluated: 2014-04-01. Review status: no assertion criteria provided. Collection method: literature only. Allele origin: germline. Not counted in ClinVar's aggregate classification.

Literature cited by the submitters: PubMed 24234652 (cited by Labcorp Genetics (formerly Invitae), Labcorp and OMIM); PubMed 21471202 (cited by Labcorp Genetics (formerly Invitae), Labcorp and OMIM); PubMed 7891385 (cited by OMIM).